The following is an entry in ClinVar:

NM_198576.4(AGRN):c.3815G>A (p.Arg1272Lys)

Gene: AGRN (agrin; plus strand). Cytogenetic location: 1p36.33.
Variant type: single nucleotide variant.
Coding change: c.3815G>A on transcript NM_198576.4 (MANE Select); coding-DNA position 3815, G replaced by A.
Protein change: p.Arg1272Lys; replaces arginine 1272 with lysine.
Molecular consequence: missense variant.
Genome position (GRCh38, 1-based): chr1:1,048,075, G>A. VCF-style: chr1-1048075-G-A. GRCh37 (hg19) VCF-style: chr1-983455-G-A.
Other names: c.3815G>A, p.Arg1272Lys (NM_001305275.2); c.3500G>A, p.Arg1167Lys (NM_001364727.2); short protein forms R1167K, R1272K.
Identifiers: ClinVar variation 657589 (VCV000657589.8), dbSNP rs1570232895, ClinGen allele CA337852445.

ClinVar aggregate classification (germline): Uncertain significance (1 of 4 stars; one submission).

Conditions:
Congenital myasthenic syndrome 8. Also called: Myasthenic syndrome, congenital, 8, with pre- and postsynaptic defects; MYASTHENIC SYNDROME, CONGENITAL, DUE TO AGRIN DEFICIENCY. Identifiers: Orphanet 590, MedGen C3808739, MONDO:0014052, OMIM 615120.

gnomAD v4.1: 6 of 1,583,154 alleles (0.00038%); highest among the groups gnomAD compares: Non-Finnish European, 0.00043%; no homozygotes.

Submission:

Labcorp Genetics (formerly Invitae), Labcorp
Classification: Uncertain significance for Congenital myasthenic syndrome 8. Last evaluated: 2018-11-26. Review status: criteria provided, single submitter. Criteria: Invitae Variant Classification Sherloc (09022015). Collection method: clinical testing. Allele origin: germline.
Comment: This variant has not been reported in the literature in individuals with AGRN-related disease. Algorithms developed to predict the effect of missense changes on protein structure and function (SIFT, PolyPhen-2, Align-GVGD) all suggest that this variant is likely to be tolerated, but these predictions have not been confirmed by published functional studies and their clinical significance is uncertain. In summary, the available evidence is currently insufficient to determine the role of this variant in disease. Therefore, it has been classified as a Variant of Uncertain Significance. This variant is not present in population databases (ExAC no frequency). This sequence change replaces arginine with lysine at codon 1272 of the AGRN protein (p.Arg1272Lys). The arginine residue is moderately conserved and there is a small physicochemical difference between arginine and lysine.